The following is an entry in ClinVar:

ClinVar aggregate classification (germline): Pathogenic (1 of 4 stars; one submission).

Conditions:
Jeune thoracic dystrophy. Also called: Jeune syndrome; Infantile thoracic dystrophy; Thoracic pelvic phalangeal dystrophy; Jeune's syndrome; Chondroectodermal dysplasia-like syndrome; Short-rib thoracic dysplasia. Identifiers: Orphanet 474, MedGen C0265275, MONDO:0018770.

Submission:

Labcorp Genetics (formerly Invitae), Labcorp
Classification: Pathogenic for Jeune thoracic dystrophy. Last evaluated: 2023-10-22. Review status: criteria provided, single submitter. Criteria: Invitae Variant Classification Sherloc (09022015). Collection method: clinical testing. Allele origin: germline.
Comment: This sequence change creates a premature translational stop signal (p.Ala2251Leufs*8) in the DYNC2H1 gene. It is expected to result in an absent or disrupted protein product. Loss-of-function variants in DYNC2H1 are known to be pathogenic (PMID: 23339108, 32753734, 33755199). This variant is not present in population databases (gnomAD no frequency). This variant has not been reported in the literature in individuals affected with DYNC2H1-related conditions. For these reasons, this variant has been classified as Pathogenic.

Literature cited by the submitters: PubMed 23339108; PubMed 32753734; PubMed 33755199.

NM_001377.3(DYNC2H1):c.6751del (p.Ala2251fs)

Gene: DYNC2H1 (dynein cytoplasmic 2 heavy chain 1; plus strand). Cytogenetic location: 11q22.3.
Variant type: Deletion.
Coding change: c.6751del on transcript NM_001377.3 (MANE Select); coding-DNA position 6751, one base deleted (G; older notation c.6751delG).
Protein change: p.Ala2251fs; shifts the reading frame from alanine 2251.
Molecular consequence: frameshift variant.
Genome position (GRCh38, 1-based): chr11:103,186,359, G deleted. VCF-style (leftmost placement, unchanged base first): chr11-103186358-TG-T. GRCh37 (hg19) VCF-style: chr11-103057087-TG-T.
Other names: c.6751del, p.Ala2251fs (NM_001080463.2); short protein forms A2251fs.
Identifiers: ClinVar variation 2771014 (VCV002771014.3), dbSNP rs2496280307, ClinGen allele CA2697548931.